The following is an entry in ClinVar:

NM_001330700.2(TOP2B):c.40G>A (p.Gly14Ser)

Genes: TOP2B (DNA topoisomerase II beta; minus strand), LOC129936375 (ATAC-STARR-seq lymphoblastoid silent region 14146; plus strand). Cytogenetic location: 3p24.2.
Variant type: single nucleotide variant.
Coding change: c.40G>A on transcript NM_001330700.2 (MANE Select); coding-DNA position 40, G replaced by A.
Protein change: p.Gly14Ser; replaces glycine 14 with serine.
Molecular consequence: missense variant.
Genome position (GRCh38, 1-based): chr3:25,664,258, C>T on the plus strand (G>A on the coding strand, the complement: TOP2B is on the minus strand). VCF-style: chr3-25664258-C-T. GRCh37 (hg19) VCF-style: chr3-25705749-C-T.
Other names: c.40G>A, p.Gly14Ser (NM_001068.3); short protein forms G14S.
Identifiers: ClinVar variation 1397213 (VCV001397213.8), dbSNP rs1368370246, ClinGen allele CA351887439.

ClinVar aggregate classification (germline): Uncertain significance (1 of 4 stars; one submission).

Allele frequency attached by ClinVar (database versions not stated): gnomAD exomes below 0.00001 and 0.00001; gnomAD 0.00001.
gnomAD v4.1: 7 of 1,537,578 alleles (0.00046%); highest among the groups gnomAD compares: Non-Finnish European, 0.00061%; no homozygotes.

Submission:

Labcorp Genetics (formerly Invitae), Labcorp
Classification: Uncertain significance. Last evaluated: 2025-06-17. Review status: criteria provided, single submitter. Criteria: Invitae Variant Classification Sherloc (09022015). Collection method: clinical testing. Allele origin: germline.
Comment: This sequence change replaces glycine, which is neutral and non-polar, with serine, which is neutral and polar, at codon 14 of the TOP2B protein (p.Gly14Ser). The frequency data for this variant in the population databases is considered unreliable, as metrics indicate poor data quality at this position in the gnomAD database. This variant has not been reported in the literature in individuals affected with TOP2B-related conditions. ClinVar contains an entry for this variant (Variation ID: 1397213). An algorithm developed to predict the effect of missense changes on protein structure and function (PolyPhen-2) suggests that this variant is likely to be tolerated. In summary, the available evidence is currently insufficient to determine the role of this variant in disease. Therefore, it has been classified as a Variant of Uncertain Significance.